The following is an entry in ClinVar:

NM_012073.5(CCT5):c.744T>G (p.Ile248Met)

Gene: CCT5 (chaperonin containing TCP1 subunit 5; plus strand). Cytogenetic location: 5p15.2.
Variant type: single nucleotide variant.
Coding change: c.744T>G on transcript NM_012073.5 (MANE Select); coding-DNA position 744, T replaced by G.
Protein change: p.Ile248Met; replaces isoleucine 248 with methionine.
Molecular consequence: missense variant.
Genome position (GRCh38, 1-based): chr5:10,258,406, T>G. VCF-style: chr5-10258406-T-G. GRCh37 (hg19) VCF-style: chr5-10258518-T-G.
Other names: p.Ile248Met; c.744T>G (NM_012073.4); c.681T>G, p.Ile227Met (NM_001306153.1); c.579T>G, p.Ile193Met (NM_001306154.2); c.465T>G, p.Ile155Met (NM_001306155.2); c.630T>G, p.Ile210Met (NM_001306156.2); short protein forms I155M, I248M, I193M, I210M, I227M.
Identifiers: ClinVar variation 2175960 (VCV002175960.5), dbSNP rs144280885, ClinGen allele CA3198162.

ClinVar aggregate classification (germline): Uncertain significance. Review status: criteria provided, multiple submitters, no conflicts (2 of 4 stars). 2 submissions from 2 submitters: Uncertain significance (2). Last evaluated 2025-01-06.

Conditions:
Hereditary sensory and autonomic neuropathy with spastic paraplegia (HSNSP). Identifiers: Orphanet 139578, MedGen C1850395, MONDO:0009748, OMIM 256840.

Allele frequency attached by ClinVar (database versions not stated): gnomAD exomes 0.00001; ExAC 0.00003; ESP Exome Variant Server 0.00008; gnomAD 0.00015; 1000 Genomes Project 30x 0.00016; 1000 Genomes Project 0.00020; TOPMed 0.00021.

Submissions (2):

Labcorp Genetics (formerly Invitae), Labcorp
Classification: Uncertain significance for Hereditary sensory and autonomic neuropathy with spastic paraplegia. Last evaluated: 2025-01-06. Review status: criteria provided, single submitter. Criteria: Invitae Variant Classification Sherloc (09022015). Collection method: clinical testing. Allele origin: germline.
Comment: This sequence change replaces isoleucine, which is neutral and non-polar, with methionine, which is neutral and non-polar, at codon 248 of the CCT5 protein (p.Ile248Met). This variant is present in population databases (rs144280885, gnomAD 0.02%). This variant has not been reported in the literature in individuals affected with CCT5-related conditions. ClinVar contains an entry for this variant (Variation ID: 2175960). Invitae Evidence Modeling of protein sequence and biophysical properties (such as structural, functional, and spatial information, amino acid conservation, physicochemical variation, residue mobility, and thermodynamic stability) indicates that this missense variant is not expected to disrupt CCT5 protein function with a negative predictive value of 80%. In summary, the available evidence is currently insufficient to determine the role of this variant in disease. Therefore, it has been classified as a Variant of Uncertain Significance.

Mayo Clinic Laboratories, Mayo Clinic
Classification: Uncertain significance. Last evaluated: 2022-03-22. Review status: criteria provided, single submitter. Criteria: ACMG Guidelines, 2015. Collection method: clinical testing. Allele origin: germline. Observed: 1 variant allele.
Comment: PM2